The following is an entry in ClinVar:

ClinVar aggregate classification (germline): Uncertain significance (1 of 4 stars; one submission).

Conditions:
Inborn genetic diseases. Identifiers: MedGen C0950123, MeSH D030342.

Submission:

Ambry Genetics
Classification: Uncertain significance for Inborn genetic diseases. Last evaluated: 2022-12-13. Review status: criteria provided, single submitter. Criteria: Ambry Variant Classification Scheme 2023. Collection method: clinical testing. Allele origin: germline.
Comment: The p.E55D variant (also known as c.165G>C), located in coding exon 1 of the MRAS gene, results from a G to C substitution at nucleotide position 165. The glutamic acid at codon 55 is replaced by aspartic acid, an amino acid with highly similar properties. This amino acid position is conserved. In addition, this alteration is predicted to be tolerated by in silico analysis. Since supporting evidence is limited at this time, the clinical significance of this alteration remains unclear.

NM_001085049.3(MRAS):c.165G>C (p.Glu55Asp)

Gene: MRAS (muscle RAS oncogene homolog; plus strand). Cytogenetic location: 3q22.3.
Variant type: single nucleotide variant.
Coding change: c.165G>C on transcript NM_001085049.3 (MANE Select); coding-DNA position 165, G replaced by C.
Protein change: p.Glu55Asp; replaces glutamic acid 55 with aspartic acid.
Molecular consequence: missense variant. On other transcripts: intron variant (3).
Genome position (GRCh38, 1-based): chr3:138,373,048, G>C. VCF-style: chr3-138373048-G-C. GRCh37 (hg19) VCF-style: chr3-138091890-G-C.
Other names: c.165G>C, p.Glu55Asp (NM_001252090.2, NM_012219.4); c.-35-24276G>C (NM_001252091.1, NM_001252093.2); c.-36+24016G>C (NM_001252092.2); short protein forms E55D.
Identifiers: ClinVar variation 2451215 (VCV002451215.2), dbSNP rs2474072674, ClinGen allele CA354672532.